The following is an entry in ClinVar:

NM_000321.3(RB1):c.1061A>C (p.Gln354Pro)

Gene: RB1 (RB transcriptional corepressor 1; plus strand). Cytogenetic location: 13q14.2.
Variant type: single nucleotide variant.
Coding change: c.1061A>C on transcript NM_000321.3 (MANE Select); coding-DNA position 1061, A replaced by C.
Protein change: p.Gln354Pro; replaces glutamine 354 with proline.
Molecular consequence: missense variant.
Genome position (GRCh38, 1-based): chr13:48,368,538, A>C. VCF-style: chr13-48368538-A-C. GRCh37 (hg19) VCF-style: chr13-48942674-A-C.
Other names: c.1061A>C, p.Gln354Pro (NM_001407165.1, NM_001407166.1); short protein forms Q354P.
Identifiers: ClinVar variation 1780286 (VCV001780286.6), dbSNP rs2138123152, ClinGen allele CA388161105.
Genomic context (GRCh38, chr13:48,368,538, plus strand): 5'-CAAATTGTAAATTTTCAGTATGTGAATGACTTCACTTATTGTTATTTAGTTTTGAAACAC[A>C]GAGAACACCACGAAAAAGTAACCTTGATGAAGAGGTGAATGTAATTCCTCCACACACTCC-3'
Protein context (NP_000312.2, residues 344-364): QTDSIDSFET[Gln354Pro]RTPRKSNLDE

ClinVar aggregate classification (germline): Uncertain significance. Review status: criteria provided, multiple submitters, no conflicts (2 of 4 stars). 2 submissions from 2 submitters: Uncertain significance (2). Last evaluated 2024-12-25.

Conditions:
Hereditary cancer-predisposing syndrome. Also called: Neoplastic Syndromes, Hereditary; Tumor predisposition; Hereditary Cancer Syndrome; Hereditary neoplastic syndrome. Identifiers: Orphanet 140162, MedGen C0027672, MeSH D009386, MONDO:0015356.
Retinoblastoma (RB1). Also called: RETINOBLASTOMA, SOMATIC. Identifiers: Orphanet 790, MedGen C0035335, MeSH D012175, MONDO:0008380, OMIM 180200, HP:0009919. Disease mechanism: loss of function. Inheritance: Both sporadic and heritable forms are tested..

Submissions (2):

Ambry Genetics
Classification: Uncertain significance for Hereditary cancer-predisposing syndrome. Last evaluated: 2024-12-25. Review status: criteria provided, single submitter. Criteria: Ambry Variant Classification Scheme 2023. Collection method: clinical testing. Allele origin: germline.
Comment: The p.Q354P variant (also known as c.1061A>C), located in coding exon 11 of the RB1 gene, results from an A to C substitution at nucleotide position 1061. The glutamine at codon 354 is replaced by proline, an amino acid with similar properties. This amino acid position is conserved. In addition, the in silico prediction for this alteration is inconclusive. Since supporting evidence is limited at this time, the clinical significance of this alteration remains unclear.

Labcorp Genetics (formerly Invitae), Labcorp
Classification: Uncertain significance for Retinoblastoma. Last evaluated: 2024-12-08. Review status: criteria provided, single submitter. Criteria: Invitae Variant Classification Sherloc (09022015). Collection method: clinical testing. Allele origin: germline.
Comment: This sequence change replaces glutamine, which is neutral and polar, with proline, which is neutral and non-polar, at codon 354 of the RB1 protein (p.Gln354Pro). This variant is not present in population databases (gnomAD no frequency). This variant has not been reported in the literature in individuals affected with RB1-related conditions. ClinVar contains an entry for this variant (Variation ID: 1780286). Invitae Evidence Modeling of protein sequence and biophysical properties (such as structural, functional, and spatial information, amino acid conservation, physicochemical variation, residue mobility, and thermodynamic stability) indicates that this missense variant is not expected to disrupt RB1 protein function with a negative predictive value of 80%. In summary, the available evidence is currently insufficient to determine the role of this variant in disease. Therefore, it has been classified as a Variant of Uncertain Significance.